The following is an entry in ClinVar:

ClinVar aggregate classification (germline): Likely benign (1 of 4 stars; one submission).

gnomAD v4.1: 21 of 1,611,042 alleles (0.0013%); highest among the groups gnomAD compares: East Asian, 0.0067%; no homozygotes.

Submission:

CeGaT Center for Human Genetics Tuebingen
Classification: Likely benign. Last evaluated: 2026-05-01. Review status: criteria provided, single submitter. Criteria: CeGaT Center For Human Genetics Tuebingen Variant Classification Criteria Version 2. Collection method: clinical testing. Allele origin: germline. Affected: yes. Observed: 1 variant allele.
Comment: KIF19: BP4, BP7

NM_153209.4(KIF19):c.2562G>A (p.Pro854=)

Gene: KIF19 (kinesin family member 19; plus strand). Cytogenetic location: 17q25.1.
Variant type: single nucleotide variant.
Coding change: c.2562G>A on transcript NM_153209.4 (MANE Select); coding-DNA position 2562, G replaced by A.
Protein change: p.Pro854=; no amino-acid change (proline 854 retained).
Molecular consequence: synonymous variant.
Genome position (GRCh38, 1-based): chr17:74,354,415, G>A. VCF-style: chr17-74354415-G-A. GRCh37 (hg19) VCF-style: chr17-72350554-G-A.
Identifiers: ClinVar variation 4872990 (VCV004872990.2).
Genomic context (GRCh38, chr17:74,354,415, plus strand): 5'-CCCCACACTACAGCATGCTGCCAGTGAGGACAACCTGTCCAGCAGCACGGGCGAGGCCCC[G>A]TCCCGGGCAGTCGGACATCATGGGGACGGCCCCAGGCCCTGGCTGCGTGGCCAGAAGAAA-3'
Protein context (NP_694941.2, residues 844-864): DNLSSSTGEA[Pro854=]SRAVGHHGDG